The following is an entry in ClinVar:

NM_022042.4(SLC26A1):c.577-1G>A

Genes: IDUA (alpha-L-iduronidase; plus strand), SLC26A1 (solute carrier family 26 member 1; minus strand). Cytogenetic location: 4p16.3.
Variant type: single nucleotide variant.
Coding change: c.577-1G>A on transcript NM_022042.4 (MANE Select); the canonical splice acceptor site of the intron before coding-DNA position 577, G replaced by A.
Molecular consequence: splice acceptor variant. On other transcripts: intron variant (2).
Genome position (GRCh38, 1-based): chr4:990,363, C>T on the plus strand (G>A on the coding strand, the complement: SLC26A1 is on the minus strand). VCF-style: chr4-990363-C-T. GRCh37 (hg19) VCF-style: chr4-984151-C-T.
Other names: c.576+765G>A (NM_134425.4); c.577-1G>A (NM_213613.4); c.299+2414C>T (NM_000203.5).
Identifiers: ClinVar variation 3591521 (VCV003591521.2).

ClinVar aggregate classification (germline): Conflicting classifications of pathogenicity. Review status: criteria provided, conflicting classifications (1 of 4 stars). 2 submissions from 2 submitters: Likely pathogenic (1); Uncertain significance (1). Last evaluated 2025-05-01.

Conditions:
Nephrolithiasis susceptibility caused by SLC26A1 (CAON1). Also called: NEPHROLITHIASIS, CALCIUM OXALATE, 1. Identifiers: MedGen C5779632, MONDO:0020722, OMIM 167030.
Hypersulfaturia (HYSULF). Identifiers: MedGen C5830511, MONDO:0957268, OMIM 620372.

gnomAD v4.1: 33 of 1,591,370 alleles (0.0021%); highest among the groups gnomAD compares: East Asian, 0.075%; no homozygotes.

Submissions (2):

Rare Kidney Stone Consortium and the Mayo Clinic Hyperoxaluria Center, Mayo Clinic
Classification: Likely pathogenic for Nephrolithiasis susceptibility caused by SLC26A1. Last evaluated: 2025-05-01. Review status: criteria provided, single submitter. Criteria: ACMG Guidelines, 2015. Collection method: research. Allele origin: germline.
Comment: ACMG: PVS1, PM2

heterozygote

Fulgent Genetics
Classification: Uncertain significance for Nephrolithiasis susceptibility caused by SLC26A1; Hypersulfaturia. Last evaluated: 2024-04-03. Review status: criteria provided, single submitter. Criteria: ACMG Guidelines, 2015. Collection method: clinical testing. Allele origin: germline.

Literature cited by the submitters: PubMed 34805638 (cited by Rare Kidney Stone Consortium and the Mayo Clinic Hyperoxaluria Center, Mayo Clinic).